The following is an entry in ClinVar:

ClinVar aggregate classification (germline): Uncertain significance. Review status: criteria provided, multiple submitters, no conflicts (2 of 4 stars). 3 submissions from 3 submitters: Uncertain significance (3). Last evaluated 2025-12-14.

Conditions:
Cardiovascular phenotype. Identifiers: MedGen CN230736.
Long QT syndrome (LQTS). Identifiers: MedGen C0023976, MeSH D008133, MONDO:0002442. Disease mechanism: loss of function. Inheritance: Various modes of inheritance.

Allele frequency attached by ClinVar (database versions not stated): gnomAD exomes 0.00002; ExAC 0.00003.

Submissions (4):

Labcorp Genetics (formerly Invitae), Labcorp
Classification: Uncertain significance for Long QT syndrome. Last evaluated: 2025-12-14. Review status: criteria provided, single submitter. Criteria: Invitae Variant Classification Sherloc (09022015). Collection method: clinical testing. Allele origin: germline.
Comment: This sequence change replaces isoleucine, which is neutral and non-polar, with phenylalanine, which is neutral and non-polar, at codon 2 of the KCNE1 protein (p.Ile2Phe). This variant is present in population databases (rs756727116, gnomAD 0.004%). This variant has not been reported in the literature in individuals affected with KCNE1-related conditions. ClinVar contains an entry for this variant (Variation ID: 645995). Invitae Evidence Modeling of protein sequence and biophysical properties (such as structural, functional, and spatial information, amino acid conservation, physicochemical variation, residue mobility, and thermodynamic stability) indicates that this missense variant is not expected to disrupt KCNE1 protein function with a negative predictive value of 95%. In summary, the available evidence is currently insufficient to determine the role of this variant in disease. Therefore, it has been classified as a Variant of Uncertain Significance.

Ambry Genetics
Classification: Uncertain significance for Cardiovascular phenotype. Last evaluated: 2025-01-14. Review status: criteria provided, single submitter. Criteria: Ambry Variant Classification Scheme 2023. Collection method: clinical testing. Allele origin: germline.
Comment: The p.I2F variant (also known as c.4A>T), located in coding exon 1 of the KCNE1 gene, results from an A to T substitution at nucleotide position 4. The isoleucine at codon 2 is replaced by phenylalanine, an amino acid with highly similar properties. This variant has been detected in a cohort with arrhythmia and/or sudden cardiac death; however, clinical details were limited (Stava TT et al. Clin Genet. 2024 Nov;106(5):585-602). Functional studies suggest this variant may not impact protein function; however, additional evidence is needed to confirm this finding (Muhammad A et al. Genome Med. 2024 May;16(1):73). This amino acid position is not well conserved in available vertebrate species. In addition, this alteration is predicted to be tolerated by in silico analysis. Based on the available evidence, the clinical significance of this variant remains unclear.

GeneDx
Classification: Uncertain significance. Last evaluated: 2024-01-18. Review status: criteria provided, single submitter. Criteria: GeneDx Variant Classification Process June 2021. Collection method: clinical testing. Allele origin: germline. Affected: yes.
Comment: In silico analysis supports that this missense variant does not alter protein structure/function; Has not been previously published as pathogenic or benign to our knowledge

Roden Lab, Vanderbilt University Medical Center
No classification provided (evidence only). Condition: Long QT syndrome 5. Review status: no classification provided. Collection method: in vitro. Allele origin: not applicable. Functional consequence: Effect on ion channel function. Not counted in ClinVar's aggregate classification.
ClinVar note: "not provided" was previously submitted as the classification for the variant. However, the classification appeared to be based only on an observation of functional data so it was converted to no classification on 2025-07-30.

Literature cited by the submitters: PubMed 38816749 (cited by Ambry Genetics); PubMed 39073097 (cited by Ambry Genetics).

NM_000219.6(KCNE1):c.4A>T (p.Ile2Phe)

Gene: KCNE1 (potassium voltage-gated channel subfamily E regulatory subunit 1; minus strand). Cytogenetic location: 21q22.12.
Variant type: single nucleotide variant.
Coding change: c.4A>T on transcript NM_000219.6 (MANE Select); coding-DNA position 4, A replaced by T.
Protein change: p.Ile2Phe; replaces isoleucine 2 with phenylalanine.
Molecular consequence: missense variant.
Genome position (GRCh38, 1-based): chr21:34,449,631, T>A on the plus strand (A>T on the coding strand, the complement: KCNE1 is on the minus strand). VCF-style: chr21-34449631-T-A. GRCh37 (hg19) VCF-style: chr21-35821929-T-A.
Other names: c.4A>T, p.Ile2Phe (NM_001127668.4, NM_001127669.4, NM_001127670.4 and 4 more transcripts); c.4A>T (NM_000219.3); short protein forms I2F.
Identifiers: ClinVar variation 645995 (VCV000645995.9), dbSNP rs756727116, ClinGen allele CA320425583.
Genomic context (GRCh38, chr21:34,449,631, plus strand): 5'-GAACTGTCTCCTGCCACAGCTTGGTCAGAAAGGGCGTCACCGCTGTGGTGTTAGACAGGA[T>A]CATCCTGGGCATTAAGGTTCCACTGCTGCAGCTCAAACTTCCCAGGCACACCTCTTAAAG-3'
Protein context (NP_000210.2, residues 1-12): M[Ile2Phe]LSNTTAVTPF